The following is an entry in ClinVar:

NM_000057.4(BLM):c.2548C>T (p.Pro850Ser)

Gene: BLM (BLM RecQ like helicase; plus strand). Cytogenetic location: 15q26.1.
Variant type: single nucleotide variant.
Coding change: c.2548C>T on transcript NM_000057.4 (MANE Select); coding-DNA position 2548, C replaced by T.
Protein change: p.Pro850Ser; replaces proline 850 with serine.
Molecular consequence: missense variant.
Genome position (GRCh38, 1-based): chr15:90,769,579, C>T. VCF-style: chr15-90769579-C-T. GRCh37 (hg19) VCF-style: chr15-91312809-C-T.
Other names: c.2548C>T, p.Pro850Ser (NM_001287246.2, NM_001287247.2); c.1423C>T, p.Pro475Ser (NM_001287248.2); short protein forms P475S, P850S.
Identifiers: ClinVar variation 2693813 (VCV002693813.3), dbSNP rs2505457488, ClinGen allele CA393845551.
Genomic context (GRCh38, chr15:90,769,579, plus strand): 5'-ACGGCCACAGCTAATCCCAGGGTACAGAAGGACATCCTGACTCAGCTGAAGATTCTCAGA[C>T]CTCAGGTGTAAGTTGTTGCACGTCACGTATTTGAGAACCCTGGGGCAGTGACTGCCAGAG-3'
Protein context (NP_000048.1, residues 840-860): DILTQLKILR[Pro850Ser]QVFSMSFNRH

ClinVar aggregate classification (germline): Uncertain significance (1 of 4 stars; one submission).

Conditions:
Bloom syndrome (BLM). Also called: Bloom-Torre-Machacek syndrome. Identifiers: Orphanet 125, MedGen C0005859, MONDO:0008876, OMIM 210900.

Submission:

Labcorp Genetics (formerly Invitae), Labcorp
Classification: Uncertain significance for Bloom syndrome. Last evaluated: 2025-07-06. Review status: criteria provided, single submitter. Criteria: Invitae Variant Classification Sherloc (09022015). Collection method: clinical testing. Allele origin: germline.
Comment: This sequence change replaces proline, which is neutral and non-polar, with serine, which is neutral and polar, at codon 850 of the BLM protein (p.Pro850Ser). This variant is not present in population databases (gnomAD no frequency). This variant has not been reported in the literature in individuals affected with BLM-related conditions. ClinVar contains an entry for this variant (Variation ID: 2693813). Invitae Evidence Modeling of protein sequence and biophysical properties (such as structural, functional, and spatial information, amino acid conservation, physicochemical variation, residue mobility, and thermodynamic stability) indicates that this missense variant is not expected to disrupt BLM protein function with a negative predictive value of 80%. In summary, the available evidence is currently insufficient to determine the role of this variant in disease. Therefore, it has been classified as a Variant of Uncertain Significance.